The following is an entry in ClinVar:

ClinVar aggregate classification (germline): Benign. Review status: criteria provided, multiple submitters, no conflicts (2 of 4 stars). 2 submissions from 2 submitters: Benign (2). Last evaluated 2018-06-16.

Allele frequency attached by ClinVar (database versions not stated): 1000 Genomes Project 30x 0.96814; TOPMed 0.96924; gnomAD 0.97009 and 0.97224; 1000 Genomes Project 0.97025; gnomAD exomes 0.99720.
gnomAD v4.1: 1,476,134 of 1,484,232 alleles (99%); highest among the groups gnomAD compares: East Asian, 100%; 734,371 homozygotes.

Submissions (2):

GeneDx
Classification: Benign. Last evaluated: 2018-06-16. Review status: criteria provided, single submitter. Criteria: GeneDx Variant Classification (06012015). Collection method: clinical testing. Allele origin: germline. Affected: yes.
Comment: This variant is considered likely benign or benign based on one or more of the following criteria: it is a conservative change, it occurs at a poorly conserved position in the protein, it is predicted to be benign by multiple in silico algorithms, and/or has population frequency not consistent with disease.

Breakthrough Genomics
Classification: Benign. Review status: criteria provided, single submitter. Criteria: ACMG Guidelines, 2015. Collection method: not provided. Allele origin: germline. Inheritance: Autosomal recessive inheritance. Affected: yes.

NM_024596.5(MCPH1):c.233+77C>G

Gene: MCPH1 (microcephalin 1; plus strand). Cytogenetic location: 8p23.1.
Variant type: single nucleotide variant.
Coding change: c.233+77C>G on transcript NM_024596.5 (MANE Select); 77 bases into the intron after coding-DNA position 233, C replaced by G.
Molecular consequence: intron variant.
Genome position (GRCh38, 1-based): chr8:6,414,960, C>G. VCF-style: chr8-6414960-C-G. GRCh37 (hg19) VCF-style: chr8-6272481-C-G.
Other names: c.233+77C>G (NM_001322042.2, NM_001363980.2, NM_001363979.1 and 2 more transcripts); c.227+77C>G (NM_001322043.2); c.131+77C>G (NM_001322045.2).
Identifiers: ClinVar variation 670447 (VCV000670447.2), dbSNP rs2442545, ClinGen allele CA171365144.